The following is an entry in ClinVar:

ClinVar aggregate classification (germline): Pathogenic/Likely pathogenic. Review status: criteria provided, multiple submitters, no conflicts (2 of 4 stars). 4 submissions from 4 submitters: Pathogenic (3); Likely pathogenic (1). Last evaluated 2025-10-02.

Conditions:
Multiple congenital exostosis (EXT). Also called: Multiple osteochondromas; Hereditary multiple osteochondromas; Multiple exostoses; Hereditary multiple exostoses; Hereditary multiple exostosis; MULTIPLE CARTILAGINOUS EXOSTOSES. Identifiers: Orphanet 321, MedGen C0015306, MONDO:0005508, HP:0002762.
Exostoses, multiple, type 1 (EXT1). Also called: EXOSTOSES, MULTIPLE, TYPE I; Hereditary Multiple Osteochondromatosis, Type I. Identifiers: MedGen CN263289, MONDO:0007585, OMIM 133700.

Submissions (4):

Labcorp Genetics (formerly Invitae), Labcorp
Classification: Pathogenic for Multiple congenital exostosis. Last evaluated: 2025-10-02. Review status: criteria provided, single submitter. Criteria: Invitae Variant Classification Sherloc (09022015). Collection method: clinical testing. Allele origin: germline.
Comment: This sequence change creates a premature translational stop signal (p.Gly24*) in the EXT1 gene. It is expected to result in an absent or disrupted protein product. Loss-of-function variants in EXT1 are known to be pathogenic (PMID: 10679937, 11391482, 19810120). This variant is not present in population databases (gnomAD no frequency). This premature translational stop signal has been observed in individual(s) with multiple exostoses (PMID: 26961984). ClinVar contains an entry for this variant (Variation ID: 871936). For these reasons, this variant has been classified as Pathogenic.

MGZ Medical Genetics Center
Classification: Pathogenic for Exostoses, multiple, type 1. Last evaluated: 2022-03-08. Review status: criteria provided, single submitter. Criteria: ACMG Guidelines, 2015. Collection method: clinical testing. Allele origin: germline. Affected: yes. Observed: 1 variant allele.
Comment: ACMG criteria applied: PVS1, PS4_MOD, PM2_SUP

Institute of Human Genetics, University of Leipzig Medical Center
Classification: Likely pathogenic for Exostoses, multiple, type 1. Last evaluated: 2018-08-21. Review status: criteria provided, single submitter. Criteria: ACMG Guidelines, 2015. Collection method: clinical testing. Allele origin: germline. Affected: yes. Observed: 1 variant allele.

CeGaT Center for Human Genetics Tuebingen
Classification: Pathogenic. Last evaluated: 2018-07-01. Review status: criteria provided, single submitter. Criteria: CeGaT Center For Human Genetics Tuebingen Variant Classification Criteria Version 2. Collection method: clinical testing. Allele origin: germline. Affected: yes. Observed: 1 variant allele.

Literature cited by the submitters: PubMed 10679937 (cited by Labcorp Genetics (formerly Invitae), Labcorp); PubMed 11391482 (cited by Labcorp Genetics (formerly Invitae), Labcorp); PubMed 19810120 (cited by Labcorp Genetics (formerly Invitae), Labcorp); PubMed 26961984 (cited by Labcorp Genetics (formerly Invitae), Labcorp).

NM_000127.3(EXT1):c.70G>T (p.Gly24Ter)

Gene: EXT1 (exostosin glycosyltransferase 1; minus strand). Cytogenetic location: 8q24.11.
Variant type: single nucleotide variant.
Coding change: c.70G>T on transcript NM_000127.3 (MANE Select); coding-DNA position 70, G replaced by T.
Protein change: p.Gly24Ter; replaces glycine 24 with a stop codon.
Molecular consequence: nonsense.
Genome position (GRCh38, 1-based): chr8:118,110,977, C>A on the plus strand (G>T on the coding strand, the complement: EXT1 is on the minus strand). VCF-style: chr8-118110977-C-A. GRCh37 (hg19) VCF-style: chr8-119123216-C-A.
Other names: short protein forms G24*.
Identifiers: ClinVar variation 871936 (VCV000871936.45), dbSNP rs1817893036, ClinGen allele CA371916662.
Genomic context (GRCh38, chr8:118,110,977, plus strand): 5'-TCCTACCGCTGTGTTCTTCTCTCCGGCTGTGGCTCCTCGATGCCCTAAACTGCAAGCCTC[C>A]GAAATAAAACAAAAGGGCGAGACAAGAGCCAGCTGAGAGCAGGATGAAATAGCGTTTTTT-3'